The following is an entry in ClinVar:

ClinVar aggregate classification (germline): Benign. Review status: criteria provided, multiple submitters, no conflicts (2 of 4 stars). 5 submissions from 5 submitters: Benign (4). 1 of the submissions does not count toward it. Last evaluated 2026-03-30.

Conditions:
Fetal akinesia deformation sequence 1 (FADS1). Also called: Pena-Shokeir syndrome type I; Fetal akinesia sequence. Identifiers: Orphanet 994, MedGen C1276035, MONDO:0100101, OMIM 208150, HP:0001989.
Congenital myasthenic syndrome 10. Also called: Myasthenia, limb-girdle, familial. Identifiers: Orphanet 590, MedGen C1850792, MONDO:0009690, OMIM 254300.
DOK7-related disorder. Also called: DOK7-related condition.

Submissions (5):

Women's Health and Genetics/Laboratory Corporation of America, LabCorp
Classification: Benign. Last evaluated: 2026-03-30. Review status: criteria provided, single submitter. Criteria: LabCorp Variant Classification Summary - May 2015. Collection method: clinical testing. Allele origin: germline.
Comment: Variant summary: DOK7 c.54+32_54+33delGG is located at a position not widely known to affect splicing and causes deletion within a poly-G[12] tract. Consensus agreement among computation tools predict no significant impact on normal splicing. However, these predictions have yet to be confirmed by functional studies. The variant allele was found at a frequency of 0.45 in 15730 control chromosomes in the gnomAD database, including 1066 homozygotes. The observed variant frequency exceeds the estimated maximal expected allele frequency for disease-causing variants in DOK7. c.54+32_54+33delGG has been observed in at least 1 individual(s) with clinical features of late onset Congenital Myasthenic Syndrome (example, Finsterer_2025) without strong evidence for causality. These report(s) do not provide unequivocal conclusions about association of the variant with Congenital Myasthenic Syndrome. To our knowledge, no experimental evidence demonstrating an impact on protein function has been reported. The following publication has been ascertained in the context of this evaluation (PMID: 40330390). ClinVar contains an entry for this variant (Variation ID: 701812). Based on the evidence outlined above, the variant was classified as benign.

Labcorp Genetics (formerly Invitae), Labcorp
Classification: Benign for Congenital myasthenic syndrome 10; Fetal akinesia deformation sequence 1. Last evaluated: 2026-02-04. Review status: criteria provided, single submitter. Criteria: Invitae Variant Classification Sherloc (09022015). Collection method: clinical testing. Allele origin: germline.

Mayo Clinic Laboratories, Mayo Clinic
Classification: Benign. Last evaluated: 2022-03-24. Review status: criteria provided, single submitter. Criteria: ACMG Guidelines, 2015. Collection method: clinical testing. Allele origin: germline. Observed: 215 variant alleles.

GeneDx
Classification: Benign. Last evaluated: 2019-11-03. Review status: criteria provided, single submitter. Criteria: GeneDx Variant Classification Process June 2021. Collection method: clinical testing. Allele origin: germline. Affected: yes.

PreventionGenetics, part of Exact Sciences
Classification: Benign for DOK7-related condition. Last evaluated: 2019-05-19. Review status: no assertion criteria provided. Collection method: clinical testing. Allele origin: germline. Not counted in ClinVar's aggregate classification.
Comment: This variant is classified as benign based on ACMG/AMP sequence variant interpretation guidelines (Richards et al. 2015 PMID: 25741868, with internal and published modifications).

Literature cited by the submitters: PubMed 40330390 (cited by Women's Health and Genetics/Laboratory Corporation of America, LabCorp).

NM_173660.5(DOK7):c.54+32_54+33del

Gene: DOK7 (docking protein 7; plus strand). Cytogenetic location: 4p16.3.
Variant type: Deletion.
Coding change: c.54+32_54+33del on transcript NM_173660.5 (MANE Select); bases 32 to 33 of the intron after coding-DNA position 54, 2 bases deleted (GG; older notation c.54+32_54+33delGG).
Molecular consequence: intron variant.
Genome position (GRCh38, 1-based): chr4:3,463,461-3,463,462, GG deleted; deleting any 2 consecutive bases within chr4:3,463,451-3,463,462 gives the same sequence; the c. name uses the placement nearest the transcript's 3' end. VCF-style (leftmost placement, unchanged base first): chr4-3463450-CGG-C. GRCh37 (hg19) VCF-style: chr4-3465177-CGG-C.
Other names: p.?; c.54+32_54+33delGG (NM_173660.4, NM_173660.5); c.54+32_54+33del (NM_001301071.2, NM_001363811.2, NM_001164673.2).
Identifiers: ClinVar variation 701812 (VCV000701812.16), dbSNP rs71180187, ClinGen allele CA2828826.